The following is an entry in ClinVar:

NM_017946.4(FKBP14):c.63G>C (p.Leu21Phe)

Genes: FKBP14 (FKBP prolyl isomerase 14; minus strand), FKBP14-AS1 (FKBP14 antisense RNA 1; plus strand). Cytogenetic location: 7p14.3.
Variant type: single nucleotide variant.
Coding change: c.63G>C on transcript NM_017946.4 (MANE Select); coding-DNA position 63, G replaced by C.
Protein change: p.Leu21Phe; replaces leucine 21 with phenylalanine.
Molecular consequence: missense variant. On other transcripts: non-coding transcript variant (3).
Genome position (GRCh38, 1-based): chr7:30,026,446, C>G on the plus strand (G>C on the coding strand, the complement: FKBP14 is on the minus strand). VCF-style: chr7-30026446-C-G. GRCh37 (hg19) VCF-style: chr7-30066062-C-G.
Other names: short protein forms L21F.
Identifiers: ClinVar variation 3515474 (VCV003515474.1).

ClinVar aggregate classification (germline): Uncertain significance (1 of 4 stars; one submission).

Conditions:
Cardiovascular phenotype. Identifiers: MedGen CN230736.

Submission:

Ambry Genetics
Classification: Uncertain significance for Cardiovascular phenotype. Last evaluated: 2024-10-21. Review status: criteria provided, single submitter. Criteria: Ambry Variant Classification Scheme 2023. Collection method: clinical testing. Allele origin: germline.
Comment: The p.L21F variant (also known as c.63G>C), located in coding exon 1 of the FKBP14 gene, results from a G to C substitution at nucleotide position 63. The leucine at codon 21 is replaced by phenylalanine, an amino acid with highly similar properties. This amino acid position is conserved. In addition, this alteration is predicted to be tolerated by in silico analysis. Based on the available evidence, the clinical significance of this variant remains unclear.